The following is an entry in ClinVar:

ClinVar aggregate classification (germline): Likely benign (1 of 4 stars; one submission).

gnomAD v4.1: 1,014 of 1,607,912 alleles (0.063%); highest among the groups gnomAD compares: Non-Finnish European, 0.081%; 1 homozygote.

Submission:

CeGaT Center for Human Genetics Tuebingen
Classification: Likely benign. Last evaluated: 2024-11-01. Review status: criteria provided, single submitter. Criteria: CeGaT Center For Human Genetics Tuebingen Variant Classification Criteria Version 2. Collection method: clinical testing. Allele origin: germline. Affected: yes. Observed: 1 variant allele.
Comment: COL6A5: BP4, BP7

NM_001278298.2(COL6A5):c.93C>T (p.Val31=)

Gene: COL6A5 (collagen type VI alpha 5 chain; plus strand). Cytogenetic location: 3q22.1.
Variant type: single nucleotide variant.
Coding change: c.93C>T on transcript NM_001278298.2 (MANE Select); coding-DNA position 93, C replaced by T.
Protein change: p.Val31=; no amino-acid change (valine 31 retained).
Molecular consequence: synonymous variant. On other transcripts: non-coding transcript variant (1).
Genome position (GRCh38, 1-based): chr3:130,376,262, C>T. VCF-style: chr3-130376262-C-T. GRCh37 (hg19) VCF-style: chr3-130095105-C-T.
Other names: c.93C>T, p.Val31= (NM_153264.7).
Identifiers: ClinVar variation 3388395 (VCV003388395.14).